The following is an entry in ClinVar:

ClinVar aggregate classification (germline): Likely benign. Review status: criteria provided, multiple submitters, no conflicts (2 of 4 stars). 2 submissions from 2 submitters: Likely benign (2). Last evaluated 2026-02-01.

Allele frequency attached by ClinVar (database versions not stated): gnomAD 0.00001; gnomAD exomes 0.00001; TOPMed 0.00001; ESP Exome Variant Server 0.00008.
gnomAD v4.1: 10 of 1,613,662 alleles (0.00062%); highest among the groups gnomAD compares: East Asian, 0.0067%; no homozygotes.

Submissions (2):

Labcorp Genetics (formerly Invitae), Labcorp
Classification: Likely benign. Last evaluated: 2026-02-01. Review status: criteria provided, single submitter. Criteria: Invitae Variant Classification Sherloc (09022015). Collection method: clinical testing. Allele origin: germline.

CeGaT Center for Human Genetics Tuebingen
Classification: Likely benign. Last evaluated: 2022-05-01. Review status: criteria provided, single submitter. Criteria: CeGaT Center For Human Genetics Tuebingen Variant Classification Criteria Version 2. Collection method: clinical testing. Allele origin: germline. Affected: yes. Observed: 1 variant allele.
Comment: ATP6V1A: BP4, BP7

NM_001690.4(ATP6V1A):c.1797C>T (p.Ser599=)

Gene: ATP6V1A (ATPase H+ transporting V1 subunit A; plus strand). Cytogenetic location: 3q13.31.
Variant type: single nucleotide variant.
Coding change: c.1797C>T on transcript NM_001690.4 (MANE Select); coding-DNA position 1797, C replaced by T.
Protein change: p.Ser599=; no amino-acid change (serine 599 retained).
Molecular consequence: synonymous variant.
Genome position (GRCh38, 1-based): chr3:113,809,370, C>T. VCF-style: chr3-113809370-C-T. GRCh37 (hg19) VCF-style: chr3-113528217-C-T.
Identifiers: ClinVar variation 1403010 (VCV001403010.31), dbSNP rs145737238, ClinGen allele CA81604127.